The following is an entry in ClinVar:

ClinVar aggregate classification (germline): Uncertain significance (1 of 4 stars; one submission).

Submission:

Labcorp Genetics (formerly Invitae), Labcorp
Classification: Uncertain significance. Last evaluated: 2025-10-20. Review status: criteria provided, single submitter. Criteria: Invitae Variant Classification Sherloc (09022015). Collection method: clinical testing. Allele origin: germline.
Comment: This sequence change affects an acceptor splice site in intron 89 of the ADGRV1 gene. While this variant is not anticipated to result in nonsense mediated decay, it likely alters RNA splicing and results in a disrupted protein product. This variant is not present in population databases (gnomAD no frequency). Disruption of this splice site has been observed in individual(s) with clinical features of Usher syndrome (internal data). ClinVar contains an entry for this variant (Variation ID: 1967913). Variants that disrupt the consensus splice site are a relatively common cause of aberrant splicing (PMID: 17576681, 9536098). Algorithms developed to predict the effect of sequence changes on RNA splicing suggest that this variant may disrupt the consensus splice site. In summary, the available evidence is currently insufficient to determine the role of this variant in disease. Therefore, it has been classified as a Variant of Uncertain Significance.

Literature cited by the submitters: PubMed 17576681; PubMed 9536098.

NM_032119.4(ADGRV1):c.18803-1G>A

Gene: ADGRV1 (adhesion G protein-coupled receptor V1; plus strand). Cytogenetic location: 5q14.3.
Variant type: single nucleotide variant.
Coding change: c.18803-1G>A on transcript NM_032119.4 (MANE Select); the canonical splice acceptor site of the intron before coding-DNA position 18803, G replaced by A.
Molecular consequence: splice acceptor variant.
Genome position (GRCh38, 1-based): chr5:91,163,781, G>A. VCF-style: chr5-91163781-G-A. GRCh37 (hg19) VCF-style: chr5-90459598-G-A.
Identifiers: ClinVar variation 1967913 (VCV001967913.5), dbSNP rs1797149036, ClinGen allele CA360432835.